The following is an entry in ClinVar:

NM_201599.3(ZMYM3):c.2161C>T (p.His721Tyr)

Gene: ZMYM3 (zinc finger MYM-type containing 3; minus strand). Cytogenetic location: Xq13.1.
Variant type: single nucleotide variant.
Coding change: c.2161C>T on transcript NM_201599.3 (MANE Select); coding-DNA position 2161, C replaced by T.
Protein change: p.His721Tyr; replaces histidine 721 with tyrosine.
Molecular consequence: missense variant.
Genome position (GRCh38, 1-based): chrX:71,247,498, G>A on the plus strand (C>T on the coding strand, the complement: ZMYM3 is on the minus strand). VCF-style: chrX-71247498-G-A. GRCh37 (hg19) VCF-style: chrX-70467348-G-A.
Other names: c.2161C>T, p.His721Tyr (NM_001171162.1, NM_005096.3); short protein forms H721Y.
Identifiers: ClinVar variation 4681124 (VCV004681124.1).

ClinVar aggregate classification (germline): Uncertain significance (1 of 4 stars; one submission).

Submission:

GeneDx
Classification: Uncertain significance. Last evaluated: 2025-07-01. Review status: criteria provided, single submitter. Criteria: GeneDx Variant Classification Process June 2021. Collection method: clinical testing. Allele origin: germline. Affected: yes.
Comment: Not observed at significant frequency in large population cohorts (gnomAD); In silico analysis supports that this missense variant has a deleterious effect on protein structure/function; Has not been previously published as pathogenic or benign to our knowledge